The following is an entry in ClinVar:

NM_018075.5(ANO10):c.1774A>G (p.Ile592Val)

Gene: ANO10 (anoctamin 10; minus strand). Cytogenetic location: 3p22.1.
Variant type: single nucleotide variant.
Coding change: c.1774A>G on transcript NM_018075.5 (MANE Select); coding-DNA position 1774, A replaced by G.
Protein change: p.Ile592Val; replaces isoleucine 592 with valine.
Molecular consequence: missense variant.
Genome position (GRCh38, 1-based): chr3:43,549,743, T>C on the plus strand (A>G on the coding strand, the complement: ANO10 is on the minus strand). VCF-style: chr3-43549743-T-C. GRCh37 (hg19) VCF-style: chr3-43591235-T-C.
Other names: c.1774A>G, p.Ile592Val (NM_001204831.3, NM_001346465.2, NM_001346468.2); c.1576A>G, p.Ile526Val (NM_001204832.3, NM_001346466.2, NM_001346469.2); c.1441A>G, p.Ile481Val (NM_001204833.3); c.1204A>G, p.Ile402Val (NM_001204834.3); c.1891A>G, p.Ile631Val (NM_001346463.2, NM_001346464.2, NM_001346467.2); short protein forms I402V, I481V, I526V, I592V, I631V.
Identifiers: ClinVar variation 4682254 (VCV004682254.1).
Genomic context (GRCh38, chr3:43,549,743, plus strand): 5'-TGGATACTGCTTAAAATAAGTTTAAATCTTTACTTACCTCCACTGCTACTACAATCAAAA[T>C]GAGGTCTGCTTTTGATTCTGGAAAGACTGCATTCACTTGTGGTGACATTCCAATCAGCGC-3'
Protein context (NP_060545.3, residues 582-602): AVFPESKADL[Ile592Val]LIVVAVEHAL

ClinVar aggregate classification (germline): Uncertain significance (1 of 4 stars; one submission).

gnomAD v4.1: 1 of 1,613,894 alleles (0.000062%); highest among the groups gnomAD compares: Admixed American, 0.0017%; no homozygotes.

Submission:

Athena Diagnostics
Classification: Uncertain significance. Last evaluated: 2025-02-05. Review status: criteria provided, single submitter. Criteria: Athena Diagnostics Criteria. Collection method: clinical testing. Allele origin: unknown.
Comment: Available data are insufficient to determine the clinical significance of the variant at this time. The frequency of this variant in the general population is uninformative in assessment of its pathogenicity. Polyphen and MutationTaster predict this amino acid change may be benign.